The following is an entry in ClinVar:

NM_033056.4(PCDH15):c.5831C>A (p.Thr1944Asn)

Gene: PCDH15 (protocadherin related 15; minus strand). Cytogenetic location: 10q21.1.
Variant type: single nucleotide variant.
Coding change: c.5831C>A on transcript NM_033056.4 (MANE Plus Clinical); coding-DNA position 5831, C replaced by A.
Protein change: p.Thr1944Asn; replaces threonine 1944 with asparagine.
Molecular consequence: missense variant. On other transcripts: intron variant (8).
Genome position (GRCh38, 1-based): chr10:53,821,895, G>T on the plus strand (C>A on the coding strand, the complement: PCDH15 is on the minus strand). VCF-style: chr10-53821895-G-T. GRCh37 (hg19) VCF-style: chr10-55581655-G-T.
Other names: c.5852C>A, p.Thr1951Asn (NM_001142763.2); c.5837C>A, p.Thr1946Asn (NM_001142764.2); c.5624C>A, p.Thr1875Asn (NM_001142765.2); c.5822C>A, p.Thr1941Asn (NM_001142766.2); c.5711C>A, p.Thr1904Asn (NM_001142767.2); c.5771C>A, p.Thr1924Asn (NM_001142768.2); c.5762C>A, p.Thr1921Asn (NM_001142773.2); c.5765C>A, p.Thr1922Asn (NM_001354404.2); and 7 more; short protein forms T1875N, T1904N, T1946N, T1951N, T1921N, T1922N, T1924N, T1941N.
Identifiers: ClinVar variation 1923887 (VCV001923887.2), dbSNP rs746479674, ClinGen allele CA376524116.
Genomic context (GRCh38, chr10:53,821,895, plus strand): 5'-CGACTAAAATAAGAAAAGCAACATTACAGTGAAGTAGATTGACTGTGAGATTGTTTTTCA[G>T]TTCCCTCGACAATATTGTTCAAACTCCCCTTGTTTTGTTCAGATGTGATTTCCATATTTG-3'
Protein context (NP_149045.3, residues 1934-1954): KGSLNNIVEG[Thr1944Asn]EKQSHSQSTS

ClinVar aggregate classification (germline): Uncertain significance (1 of 4 stars; one submission).

gnomAD v4.1: 3 of 1,613,530 alleles (0.00019%); highest among the groups gnomAD compares: Admixed American, 0.0017%; no homozygotes.

Submission:

Labcorp Genetics (formerly Invitae), Labcorp
Classification: Uncertain significance. Last evaluated: 2022-03-01. Review status: criteria provided, single submitter. Criteria: Invitae Variant Classification Sherloc (09022015). Collection method: clinical testing. Allele origin: germline.
Comment: This sequence change replaces threonine, which is neutral and polar, with asparagine, which is neutral and polar, at codon 1944 of the PCDH15 protein (p.Thr1944Asn). This variant is not present in population databases (gnomAD no frequency). This variant has not been reported in the literature in individuals affected with PCDH15-related conditions. Algorithms developed to predict the effect of missense changes on protein structure and function are either unavailable or do not agree on the potential impact of this missense change (SIFT: "Deleterious"; PolyPhen-2: "Not Available"; Align-GVGD: "Class C0"). In summary, the available evidence is currently insufficient to determine the role of this variant in disease. Therefore, it has been classified as a Variant of Uncertain Significance.